The following is an entry in ClinVar:

NM_000330.4(RS1):c.187T>C (p.Cys63Arg)

Genes: CDKL5 (cyclin dependent kinase like 5; plus strand), RS1 (retinoschisin 1; minus strand). Cytogenetic location: Xp22.13.
Variant type: single nucleotide variant.
Coding change: c.187T>C on transcript NM_000330.4 (MANE Select); coding-DNA position 187, T replaced by C.
Protein change: p.Cys63Arg; replaces cysteine 63 with arginine.
Molecular consequence: missense variant. On other transcripts: intron variant (2).
Genome position (GRCh38, 1-based): chrX:18,647,330, A>G on the plus strand (T>C on the coding strand, the complement: RS1 is on the minus strand). VCF-style: chrX-18647330-A-G. GRCh37 (hg19) VCF-style: chrX-18665450-A-G.
Other names: c.2797+1240A>G (NM_003159.3, NM_001037343.2); short protein forms C63R.
Identifiers: ClinVar variation 1517929 (VCV001517929.48), dbSNP rs2147194234, ClinGen allele CA412373014.

ClinVar aggregate classification (germline): Pathogenic/Likely pathogenic. Review status: criteria provided, multiple submitters, no conflicts (2 of 4 stars). 2 submissions from 2 submitters: Pathogenic (1); Likely pathogenic (1). Last evaluated 2025-08-21.

Conditions:
Juvenile retinoschisis (RS1). Also called: X-linked retinoschisis; X-Linked Juvenile Retinoschisis. Identifiers: Orphanet 792, MedGen C3714753, MONDO:0010725, OMIM 312700.

Submissions (2):

Labcorp Genetics (formerly Invitae), Labcorp
Classification: Pathogenic. Last evaluated: 2025-08-21. Review status: criteria provided, single submitter. Criteria: Invitae Variant Classification Sherloc (09022015). Collection method: clinical testing. Allele origin: germline.
Comment: This sequence change replaces cysteine, which is neutral and slightly polar, with arginine, which is basic and polar, at codon 63 of the RS1 protein (p.Cys63Arg). This variant is not present in population databases (gnomAD no frequency). This missense change has been observed in individual(s) with clinical features of retinoschisis (PMID: 31106028, 33460243, 34645606, 34828422, 35456481; internal data). ClinVar contains an entry for this variant (Variation ID: 1517929). An algorithm developed to predict the effect of missense changes on protein structure and function (PolyPhen-2) suggests that this variant is likely to be disruptive. This variant disrupts the p.Cys63 amino acid residue in RS1. Other variant(s) that disrupt this residue have been observed in individuals with RS1-related conditions (PMID: 29739629), which suggests that this may be a clinically significant amino acid residue. For these reasons, this variant has been classified as Pathogenic.

Genomic Medicine Center of Excellence, King Faisal Specialist Hospital and Research Centre
Classification: Likely pathogenic for Juvenile retinoschisis. Last evaluated: 2024-03-17. Review status: criteria provided, single submitter. Criteria: ACMG Guidelines, 2015. Collection method: research. Allele origin: germline.

Literature cited by the submitters: PubMed 31106028 (cited by Labcorp Genetics (formerly Invitae), Labcorp); PubMed 33460243 (cited by Labcorp Genetics (formerly Invitae), Labcorp); PubMed 34645606 (cited by Labcorp Genetics (formerly Invitae), Labcorp); PubMed 34828422 (cited by Labcorp Genetics (formerly Invitae), Labcorp); PubMed 35456481 (cited by Labcorp Genetics (formerly Invitae), Labcorp); PubMed 29739629 (cited by Labcorp Genetics (formerly Invitae), Labcorp).